The following is an entry in ClinVar:

NM_206937.2(LIG4):c.800G>A (p.Ser267Asn)

Gene: LIG4 (DNA ligase 4; minus strand). Cytogenetic location: 13q33.3.
Variant type: single nucleotide variant.
Coding change: c.800G>A on transcript NM_206937.2 (MANE Select); coding-DNA position 800, G replaced by A.
Protein change: p.Ser267Asn; replaces serine 267 with asparagine.
Molecular consequence: missense variant.
Genome position (GRCh38, 1-based): chr13:108,210,469, C>T on the plus strand (G>A on the coding strand, the complement: LIG4 is on the minus strand). VCF-style: chr13-108210469-C-T. GRCh37 (hg19) VCF-style: chr13-108862817-C-T.
Other names: c.800G>A, p.Ser267Asn (NM_001098268.2, NM_001352598.2, NM_001352599.2 and 6 more transcripts); c.599G>A, p.Ser200Asn (NM_001330595.2); c.836G>A, p.Ser279Asn (NM_001352604.2); short protein forms S200N, S267N, S279N.
Identifiers: ClinVar variation 1034801 (VCV001034801.8), dbSNP rs1878526562, ClinGen allele CA388620244.
Genomic context (GRCh38, chr13:108,210,469, plus strand): 5'-ACATCTCCATCTTTGTGCATTTGCATACGTTCACCATCTAGCTTGGTTTCTATGTAGAAA[C>T]TCTGATGTTTCATATCCTTCTCAATGTGCTCAATATCTGCAATAGCAGCTAGCATTGGTT-3'
Protein context (NP_996820.1, residues 257-277): EHIEKDMKHQ[Ser267Asn]FYIETKLDGE

ClinVar aggregate classification (germline): Uncertain significance (1 of 4 stars; one submission).

Conditions:
DNA ligase IV deficiency. Identifiers: Orphanet 99812, MedGen C1847827, MONDO:0011686, OMIM 606593.

Submission:

Labcorp Genetics (formerly Invitae), Labcorp
Classification: Uncertain significance for DNA ligase IV deficiency. Last evaluated: 2020-08-10. Review status: criteria provided, single submitter. Criteria: Invitae Variant Classification Sherloc (09022015). Collection method: clinical testing. Allele origin: germline.
Comment: This sequence change replaces serine with asparagine at codon 267 of the LIG4 protein (p.Ser267Asn). The serine residue is weakly conserved and there is a small physicochemical difference between serine and asparagine. In summary, the available evidence is currently insufficient to determine the role of this variant in disease. Therefore, it has been classified as a Variant of Uncertain Significance. Algorithms developed to predict the effect of missense changes on protein structure and function (SIFT, PolyPhen-2, Align-GVGD) all suggest that this variant is likely to be tolerated, but these predictions have not been confirmed by published functional studies and their clinical significance is uncertain. This variant has not been reported in the literature in individuals with LIG4-related conditions. This variant is not present in population databases (ExAC no frequency).